The following is an entry in ClinVar:

ClinVar aggregate classification (germline): Uncertain significance. Review status: criteria provided, multiple submitters, no conflicts (2 of 4 stars). 2 submissions from 2 submitters: Uncertain significance (2). Last evaluated 2024-03-28.

Conditions:
Inborn genetic diseases. Identifiers: MedGen C0950123, MeSH D030342.

Allele frequency attached by ClinVar (database versions not stated): gnomAD 0.00001; TOPMed 0.00001.

Submissions (2):

Ambry Genetics
Classification: Uncertain significance for Inborn genetic diseases. Last evaluated: 2024-03-28. Review status: criteria provided, single submitter. Criteria: Ambry Variant Classification Scheme 2023. Collection method: clinical testing. Allele origin: germline.
Comment: The p.R150W variant (also known as c.448C>T), located in coding exon 5 of the RAD51 gene, results from a C to T substitution at nucleotide position 448. The arginine at codon 150 is replaced by tryptophan, an amino acid with dissimilar properties. This amino acid position is conserved. In addition, this alteration is predicted to be tolerated by in silico analysis. Since supporting evidence is limited at this time, the clinical significance of this alteration remains unclear.

Labcorp Genetics (formerly Invitae), Labcorp
Classification: Uncertain significance. Last evaluated: 2024-03-08. Review status: criteria provided, single submitter. Criteria: Invitae Variant Classification Sherloc (09022015). Collection method: clinical testing. Allele origin: germline.
Comment: This sequence change replaces arginine, which is basic and polar, with tryptophan, which is neutral and slightly polar, at codon 150 of the RAD51 protein (p.Arg150Trp). This variant is not present in population databases (gnomAD no frequency). This variant has not been reported in the literature in individuals affected with RAD51-related conditions. ClinVar contains an entry for this variant (Variation ID: 1740952). An algorithm developed to predict the effect of missense changes on protein structure and function (PolyPhen-2) suggests that this variant is likely to be disruptive. In summary, the available evidence is currently insufficient to determine the role of this variant in disease. Therefore, it has been classified as a Variant of Uncertain Significance.

NM_002875.5(RAD51):c.448C>T (p.Arg150Trp)

Gene: RAD51 (RAD51 recombinase; plus strand). Cytogenetic location: 15q15.1.
Variant type: single nucleotide variant.
Coding change: c.448C>T on transcript NM_002875.5 (MANE Select); coding-DNA position 448, C replaced by T.
Protein change: p.Arg150Trp; replaces arginine 150 with tryptophan.
Molecular consequence: missense variant.
Genome position (GRCh38, 1-based): chr15:40,718,817, C>T. VCF-style: chr15-40718817-C-T. GRCh37 (hg19) VCF-style: chr15-41011015-C-T.
Other names: c.451C>T, p.Arg151Trp (NM_001164269.2, NM_133487.4); c.448C>T, p.Arg150Trp (NM_001164270.2); short protein forms R151W, R150W.
Identifiers: ClinVar variation 1740952 (VCV001740952.5), dbSNP rs1359302940, ClinGen allele CA391753271.